The following is an entry in ClinVar:

NM_004385.5(VCAN):c.9782C>A (p.Ala3261Asp)

Gene: VCAN (versican; plus strand). Cytogenetic location: 5q14.3.
Variant type: single nucleotide variant.
Coding change: c.9782C>A on transcript NM_004385.5 (MANE Select); coding-DNA position 9782, C replaced by A.
Protein change: p.Ala3261Asp; replaces alanine 3261 with aspartic acid.
Molecular consequence: missense variant.
Genome position (GRCh38, 1-based): chr5:83,572,462, C>A. VCF-style: chr5-83572462-C-A. GRCh37 (hg19) VCF-style: chr5-82868281-C-A.
Other names: c.1559C>A, p.Ala520Asp (NM_001126336.3); c.6821C>A, p.Ala2274Asp (NM_001164097.2); c.4520C>A, p.Ala1507Asp (NM_001164098.2); short protein forms A520D, A1507D, A3261D, A2274D.
Identifiers: ClinVar variation 1931848 (VCV001931848.5), dbSNP rs1320916138, ClinGen allele CA360298638.

ClinVar aggregate classification (germline): Uncertain significance (1 of 4 stars; one submission).

Submission:

Labcorp Genetics (formerly Invitae), Labcorp
Classification: Uncertain significance. Last evaluated: 2025-01-23. Review status: criteria provided, single submitter. Criteria: Invitae Variant Classification Sherloc (09022015). Collection method: clinical testing. Allele origin: germline.
Comment: This sequence change replaces alanine, which is neutral and non-polar, with aspartic acid, which is acidic and polar, at codon 3261 of the VCAN protein (p.Ala3261Asp). This variant is not present in population databases (gnomAD no frequency). This variant has not been reported in the literature in individuals affected with VCAN-related conditions. ClinVar contains an entry for this variant (Variation ID: 1931848). An algorithm developed to predict the effect of missense changes on protein structure and function (PolyPhen-2) suggests that this variant is likely to be disruptive. In summary, the available evidence is currently insufficient to determine the role of this variant in disease. Therefore, it has been classified as a Variant of Uncertain Significance.